The following is an entry in ClinVar:

NM_001002295.2(GATA3):c.38ACC[2] (p.His15del)

Gene: GATA3 (GATA binding protein 3; plus strand). Cytogenetic location: 10p14.
Variant type: Microsatellite.
Coding change: c.38ACC[2] on transcript NM_001002295.2 (MANE Select); two copies in a row of the 3-base unit ACC starting at c.38; the reference has three copies in a row; one copy, 3 bases deleted.
Protein change: p.His15del; deletes histidine 15.
Molecular consequence: inframe deletion.
Genome position (GRCh38, 1-based): chr10:8,055,699-8,055,701, ACC deleted; deleting any 3 consecutive bases within chr10:8,055,691-8,055,701 gives the same sequence; the position shown is the placement nearest the transcript's 3' end. VCF-style (leftmost placement, unchanged base first): chr10-8055690-GCCA-G. GRCh37 (hg19) VCF-style: chr10-8097653-GCCA-G.
Other names: c.38ACC[2], p.His15del (NM_002051.3); short protein forms H15del.
Identifiers: ClinVar variation 3253452 (VCV003253452.2), dbSNP rs1437230699.

ClinVar aggregate classification (germline): Uncertain significance. Review status: criteria provided, multiple submitters, no conflicts (2 of 4 stars). 2 submissions from 2 submitters: Uncertain significance (2). Last evaluated 2025-10-07.

Submissions (2):

Labcorp Genetics (formerly Invitae), Labcorp
Classification: Uncertain significance. Last evaluated: 2025-10-07. Review status: criteria provided, single submitter. Criteria: Invitae Variant Classification Sherloc (09022015). Collection method: clinical testing. Allele origin: germline.
Comment: This variant, c.44_46del, results in the deletion of 1 amino acid(s) of the GATA3 protein (p.His15del), but otherwise preserves the integrity of the reading frame. This variant is not present in population databases (gnomAD no frequency). This variant has not been reported in the literature in individuals affected with GATA3-related conditions. ClinVar contains an entry for this variant (Variation ID: 3253452). In summary, the available evidence is currently insufficient to determine the role of this variant in disease. Therefore, it has been classified as a Variant of Uncertain Significance.

GeneDx
Classification: Uncertain significance. Last evaluated: 2023-11-29. Review status: criteria provided, single submitter. Criteria: GeneDx Variant Classification Process June 2021. Collection method: clinical testing. Allele origin: germline. Affected: yes.
Comment: In-frame deletion of one amino acid in a non-repeat region; Not observed at significant frequency in large population cohorts (gnomAD); In silico analysis supports a deleterious effect on protein structure/function; Has not been previously published as pathogenic or benign to our knowledge